The following is an entry in ClinVar:

NM_000065.5(C6):c.2443G>A (p.Ala815Thr)

Gene: C6 (complement C6; minus strand). Cytogenetic location: 5p13.1.
Variant type: single nucleotide variant.
Coding change: c.2443G>A on transcript NM_000065.5 (MANE Select); coding-DNA position 2443, G replaced by A.
Protein change: p.Ala815Thr; replaces alanine 815 with threonine.
Molecular consequence: missense variant.
Genome position (GRCh38, 1-based): chr5:41,149,421, C>T on the plus strand (G>A on the coding strand, the complement: C6 is on the minus strand). VCF-style: chr5-41149421-C-T. GRCh37 (hg19) VCF-style: chr5-41149523-C-T.
Other names: c.2443G>A, p.Ala815Thr (NM_001115131.4); short protein forms A815T.
Identifiers: ClinVar variation 2988501 (VCV002988501.3), dbSNP rs757845909, ClinGen allele CA3252111.
Genomic context (GRCh38, chr5:41,149,421, plus strand): 5'-CAATATGTAGAAAATGGAGTTGCTGATTATTTAAACATTTCTCAGCCAAAAACTTACAAG[C>T]GGGTGAAGTAAAGTAATCGTTGGAGTCTGTGTCAAACACACAGAGATCTTCTGAATGATG-3'
Protein context (NP_000056.2, residues 805-825): TDSNDYFTSP[Ala815Thr]CKFLAEKCLN

ClinVar aggregate classification (germline): Uncertain significance (1 of 4 stars; one submission).

Allele frequency attached by ClinVar (database versions not stated): TOPMed 0.00001; gnomAD 0.00002; ExAC 0.00005.
gnomAD v4.1: 41 of 1,613,970 alleles (0.0025%); highest among the groups gnomAD compares: East Asian, 0.013%; no homozygotes.

Submission:

Labcorp Genetics (formerly Invitae), Labcorp
Classification: Uncertain significance. Last evaluated: 2024-10-07. Review status: criteria provided, single submitter. Criteria: Invitae Variant Classification Sherloc (09022015). Collection method: clinical testing. Allele origin: germline.
Comment: This sequence change replaces alanine, which is neutral and non-polar, with threonine, which is neutral and polar, at codon 815 of the C6 protein (p.Ala815Thr). This variant is present in population databases (rs757845909, gnomAD 0.03%). This variant has not been reported in the literature in individuals affected with C6-related conditions. An algorithm developed to predict the effect of missense changes on protein structure and function outputs the following: PolyPhen-2: "Benign". The threonine amino acid residue is found in multiple mammalian species, which suggests that this missense change does not adversely affect protein function. In summary, the available evidence is currently insufficient to determine the role of this variant in disease. Therefore, it has been classified as a Variant of Uncertain Significance.